The following is an entry in ClinVar:

NM_001567.4(INPPL1):c.3008C>T (p.Ser1003Leu)

Gene: INPPL1 (inositol polyphosphate phosphatase like 1; plus strand). Cytogenetic location: 11q13.4.
Variant type: single nucleotide variant.
Coding change: c.3008C>T on transcript NM_001567.4 (MANE Select); coding-DNA position 3008, C replaced by T.
Protein change: p.Ser1003Leu; replaces serine 1003 with leucine.
Molecular consequence: missense variant.
Genome position (GRCh38, 1-based): chr11:72,237,252, C>T. VCF-style: chr11-72237252-C-T. GRCh37 (hg19) VCF-style: chr11-71948296-C-T.
Other names: short protein forms S1003L.
Identifiers: ClinVar variation 1982688 (VCV001982688.2), dbSNP rs375244484, ClinGen allele CA6170543.

ClinVar aggregate classification (germline): Uncertain significance (1 of 4 stars; one submission).

Allele frequency attached by ClinVar (database versions not stated): gnomAD 0.00001; TOPMed 0.00001; ExAC 0.00002; gnomAD exomes 0.00002; ESP Exome Variant Server 0.00008.
gnomAD v4.1: 31 of 1,614,026 alleles (0.0019%); highest among the groups gnomAD compares: Non-Finnish European, 0.0018%; no homozygotes.

Submission:

Labcorp Genetics (formerly Invitae), Labcorp
Classification: Uncertain significance. Last evaluated: 2021-12-24. Review status: criteria provided, single submitter. Criteria: Invitae Variant Classification Sherloc (09022015). Collection method: clinical testing. Allele origin: germline.
Comment: In summary, the available evidence is currently insufficient to determine the role of this variant in disease. Therefore, it has been classified as a Variant of Uncertain Significance. Algorithms developed to predict the effect of missense changes on protein structure and function are either unavailable or do not agree on the potential impact of this missense change (SIFT: "Deleterious"; PolyPhen-2: "Benign"; Align-GVGD: "Class C0"). This variant has not been reported in the literature in individuals affected with INPPL1-related conditions. This variant is present in population databases (rs375244484, gnomAD 0.003%). This sequence change replaces serine, which is neutral and polar, with leucine, which is neutral and non-polar, at codon 1003 of the INPPL1 protein (p.Ser1003Leu).